The following is an entry in ClinVar:

NM_001318895.3(FHL2):c.509C>T (p.Thr170Ile)

Genes: C2orf49 (chromosome 2 open reading frame 49; plus strand), FHL2 (four and a half LIM domains 2; minus strand). Cytogenetic location: 2q12.2.
Variant type: single nucleotide variant.
Coding change: c.509C>T on transcript NM_001318895.3 (MANE Select); coding-DNA position 509, C replaced by T.
Protein change: p.Thr170Ile; replaces threonine 170 with isoleucine.
Molecular consequence: missense variant.
Genome position (GRCh38, 1-based): chr2:105,363,464, G>A on the plus strand (C>T on the coding strand, the complement: FHL2 is on the minus strand). VCF-style: chr2-105363464-G-A. GRCh37 (hg19) VCF-style: chr2-105979921-G-A.
Other names: c.509C>T, p.Thr170Ile (NM_001039492.3, NM_001318894.1, NM_001318896.2 and 4 more transcripts); c.167C>T, p.Thr56Ile (NM_001318897.2, NM_001318898.2); c.185C>T, p.Thr62Ile (NM_001318899.2); short protein forms T170I, T56I, T62I.
Identifiers: ClinVar variation 568386 (VCV000568386.8), dbSNP rs750539692, ClinGen allele CA1814712.

ClinVar aggregate classification (germline): Uncertain significance (1 of 4 stars; one submission).

Conditions:
Primary dilated cardiomyopathy (DCM). Also called: Dilated Cardiomyopathy. Identifiers: Orphanet 217604, MedGen C0007193, MeSH D002311, MONDO:0005021, HP:0001644. Inheritance: Various modes of inheritance.

Allele frequency attached by ClinVar (database versions not stated): gnomAD exomes below 0.00001 and 0.00001; ExAC 0.00001; TOPMed 0.00001.
gnomAD v4.1: 1 of 1,607,626 alleles (0.000062%); highest among the groups gnomAD compares: East Asian, 0.0022%; no homozygotes.

Submission:

Labcorp Genetics (formerly Invitae), Labcorp
Classification: Uncertain significance for Primary dilated cardiomyopathy. Last evaluated: 2019-05-09. Review status: criteria provided, single submitter. Criteria: Invitae Variant Classification Sherloc (09022015). Collection method: clinical testing. Allele origin: germline.
Comment: This variant is present in population databases (rs750539692, ExAC 0.02%). In summary, the available evidence is currently insufficient to determine the role of this variant in disease. Therefore, it has been classified as a Variant of Uncertain Significance. Algorithms developed to predict the effect of missense changes on protein structure and function output the following: SIFT: "Tolerated"; PolyPhen-2: "Benign"; Align-GVGD: "Class C0". The isoleucine amino acid residue is found in multiple mammalian species, suggesting that this missense change does not adversely affect protein function. These predictions have not been confirmed by published functional studies and their clinical significance is uncertain. This variant has not been reported in the literature in individuals with FHL2-related disease. This sequence change replaces threonine with isoleucine at codon 170 of the FHL2 protein (p.Thr170Ile). The threonine residue is highly conserved and there is a moderate physicochemical difference between threonine and isoleucine.